The following is an entry in ClinVar:

ClinVar aggregate classification (germline): Pathogenic (1 of 4 stars; one submission).

Submission:

Labcorp Genetics (formerly Invitae), Labcorp
Classification: Pathogenic. Last evaluated: 2022-11-01. Review status: criteria provided, single submitter. Criteria: Invitae Variant Classification Sherloc (09022015). Collection method: clinical testing. Allele origin: germline.
Comment: A gross deletion of the genomic region encompassing the full coding sequence of the CHM gene has been identified. Loss-of-function variants in CHM are known to be pathogenic (PMID: 9067750, 23811034). The boundaries of this event are unknown as they extend beyond the assayed region for this gene and therefore may encompass additional genes. A similar copy number variant has been observed in individual(s) with choroideremia (PMID: 7981671, 8749050, 17698759, 21905166, 23811034, 26133251). It has also been observed to segregate with disease in related individuals. For these reasons, this variant has been classified as Pathogenic.

Literature cited by the submitters: PubMed 9067750; PubMed 23811034; PubMed 7981671; PubMed 8749050; PubMed 17698759; PubMed 21905166; PubMed 26133251.

NC_000023.10:g.(?_85119635)_(85302644_?)del

Gene: CHM (CHM Rab escort protein; minus strand). Cytogenetic location: Xq21.2.
Variant type: Deletion.
Identifiers: ClinVar variation 2423003 (VCV002423003.3).